The following is an entry in ClinVar:

NM_000486.6(AQP2):c.375del (p.Thr126fs)

Genes: AQP2 (aquaporin 2; plus strand), AQP5-AS1 (AQP5 and AQP2 antisense RNA 2; minus strand). Cytogenetic location: 12q13.12.
Variant type: Deletion.
Coding change: c.375del on transcript NM_000486.6 (MANE Select); coding-DNA position 375, one base deleted (G; older notation c.375delG).
Protein change: p.Thr126fs; shifts the reading frame from threonine 126.
Molecular consequence: frameshift variant. On other transcripts: non-coding transcript variant (1).
Genome position (GRCh38, 1-based): chr12:49,954,169, G deleted. VCF-style (leftmost placement, unchanged base first): chr12-49954168-CG-C. GRCh37 (hg19) VCF-style: chr12-50347951-CG-C.
Other names: short protein forms T126fs.
Identifiers: ClinVar variation 988214 (VCV000988214.1), dbSNP rs764380594, ClinGen allele CA6559229.

ClinVar aggregate classification (germline): Pathogenic (0 of 4 stars; one submission).

Conditions:
Nephrogenic diabetes insipidus. Identifiers: Orphanet 223, MedGen C0162283, MONDO:0016383, HP:0009806.

Allele frequency attached by ClinVar (database versions not stated): gnomAD exomes below 0.00001; ExAC 0.00001.

Submission:

Sydney Genome Diagnostics, Children's Hospital Westmead
Classification: Pathogenic for Nephrogenic diabetes insipidus. Last evaluated: 2018-05-29. Review status: no assertion criteria provided. Collection method: clinical testing. Allele origin: unknown. Affected: yes. Observed: 1 variant allele, 1 homozygote.
Comment: This frameshifting variant is predicted to create a premature stop codon (p.Thr126Argfs*6) and may result in a null allele due to nonsense-mediated mRNA decay. This variant has been listed in Exome Aggregation Consortium (ExAC) with a very low allelic frequency (1 out of 120420 alleles). To our knowledge, this variant has not been previously reported in the literature or any disease specific databases to be a disease causing variant. However, other truncating mutations downstream of this amino acid have been described in the literature (OMIM # 107777). This variant is considered to be pathogenic.